The following is an entry in ClinVar:

ClinVar aggregate classification (germline): Likely benign. Review status: criteria provided, multiple submitters, no conflicts (2 of 4 stars). 6 submissions from 6 submitters: Likely benign (6). Last evaluated 2025-07-01.

Conditions:
Cardiomyopathy (CMYO). Also called: Cardiomyopathies. Identifiers: Orphanet 167848, MedGen C0878544, MONDO:0004994, HP:0001638. Inheritance: Various modes of inheritance.
Hypertrophic cardiomyopathy. Also called: HYPERTROPHIC MYOCARDIOPATHY. Identifiers: Orphanet 217569, MedGen C0007194, MeSH D002312, MONDO:0005045, HP:0001639.
Cardiovascular phenotype. Identifiers: MedGen CN230736.

Allele frequency attached by ClinVar (database versions not stated): gnomAD exomes 0.00001 and 0.00002; ExAC 0.00002; gnomAD 0.00003.

Submissions (6):

CeGaT Center for Human Genetics Tuebingen
Classification: Likely benign. Last evaluated: 2025-07-01. Review status: criteria provided, single submitter. Criteria: CeGaT Center For Human Genetics Tuebingen Variant Classification Criteria Version 2. Collection method: clinical testing. Allele origin: germline. Affected: yes. Observed: 1 variant allele.
Comment: MYH7: BP4

Ambry Genetics
Classification: Likely benign for Cardiovascular phenotype. Last evaluated: 2024-11-27. Review status: criteria provided, single submitter. Criteria: Ambry Variant Classification Scheme 2023. Collection method: clinical testing. Allele origin: germline.

Labcorp Genetics (formerly Invitae), Labcorp
Classification: Likely benign for Hypertrophic cardiomyopathy. Last evaluated: 2024-02-16. Review status: criteria provided, single submitter. Criteria: Invitae Variant Classification Sherloc (09022015). Collection method: clinical testing. Allele origin: germline.

All of Us Research Program, National Institutes of Health
Classification: Likely benign for Cardiomyopathy. Last evaluated: 2023-06-08. Review status: criteria provided, single submitter. Criteria: ACMG Guidelines, 2015. Collection method: clinical testing. Allele origin: germline. Inheritance: Autosomal dominant inheritance. Observed: 2 variant alleles, 2 heterozygotes.
Comment: This study involves interpretation of variants in research participants for the purpose of population health screening. Participant phenotype was not available at the time of variant classification. Additional details can be found in publication PMID: 35346344, PMCID: PMC8962531

Color Diagnostics, LLC DBA Color Health
Classification: Likely benign for Cardiomyopathy. Last evaluated: 2018-11-08. Review status: criteria provided, single submitter. Criteria: ACMG Guidelines, 2015. Collection method: clinical testing. Allele origin: germline.

GeneDx
Classification: Likely benign. Last evaluated: 2016-11-16. Review status: criteria provided, single submitter. Criteria: GeneDx Variant Classification (06012015). Collection method: clinical testing. Allele origin: germline. Affected: yes.
Comment: This variant is considered likely benign or benign based on one or more of the following criteria: it is a conservative change, it occurs at a poorly conserved position in the protein, it is predicted to be benign by multiple in silico algorithms, and/or has population frequency not consistent with disease.

NM_000257.4(MYH7):c.1413C>T (p.Asn471=)

Gene: MYH7 (myosin heavy chain 7; minus strand). Cytogenetic location: 14q11.2.
Variant type: single nucleotide variant.
Coding change: c.1413C>T on transcript NM_000257.4 (MANE Select); coding-DNA position 1413, C replaced by T.
Protein change: p.Asn471=; no amino-acid change (asparagine 471 retained).
Molecular consequence: synonymous variant.
Genome position (GRCh38, 1-based): chr14:23,428,665, G>A on the plus strand (C>T on the coding strand, the complement: MYH7 is on the minus strand). VCF-style: chr14-23428665-G-A. GRCh37 (hg19) VCF-style: chr14-23897874-G-A.
Other names: c.1413C>T (LRG_384t1).
Identifiers: ClinVar variation 390738 (VCV000390738.20), dbSNP rs760737402, ClinGen allele CA028512.
Genomic context (GRCh38, chr14:23,428,665, plus strand): 5'-GTGGTTGAAGAACTGCTGCAGCTTCTCGTTGGTGAAGTTGATGCAGAGCTGCTCAAAGCT[G>A]TTGAACTGCAGGGGGCATGAGGGGTGGGAGCAGTCAGAAAGTGGGTGTGAGTGGCCATTG-3'
Protein context (NP_000248.2, residues 461-481): DIAGFEIFDF[Asn471=]SFEQLCINFT